The following is an entry in ClinVar:

NM_006308.3(HSPB3):c.44G>A (p.Arg15His)

Gene: HSPB3 (heat shock protein family B (small) member 3; plus strand). Cytogenetic location: 5q11.2.
Variant type: single nucleotide variant.
Coding change: c.44G>A on transcript NM_006308.3 (MANE Select); coding-DNA position 44, G replaced by A.
Protein change: p.Arg15His; replaces arginine 15 with histidine.
Molecular consequence: missense variant.
Genome position (GRCh38, 1-based): chr5:54,455,833, G>A. VCF-style: chr5-54455833-G-A. GRCh37 (hg19) VCF-style: chr5-53751663-G-A.
Other names: short protein forms R15H.
Identifiers: ClinVar variation 4743954 (VCV004743954.1).

ClinVar aggregate classification (germline): Uncertain significance (1 of 4 stars; one submission).

Conditions:
Neuronopathy, distal hereditary motor, type 2C. Also called: NEUROPATHY, DISTAL HEREDITARY MOTOR, AUTOSOMAL DOMINANT 4; NEURONOPATHY, DISTAL HEREDITARY MOTOR, HARDING TYPE IIC; NEUROPATHY, DISTAL HEREDITARY MOTOR, HARDING TYPE IIC; HMN IIC. Identifiers: Orphanet 139525, MedGen C3150619, MONDO:0013243, OMIM 613376.

gnomAD v4.1: 20 of 1,614,066 alleles (0.0012%); highest among the groups gnomAD compares: South Asian, 0.0033%; no homozygotes.

Submission:

Labcorp Genetics (formerly Invitae), Labcorp
Classification: Uncertain significance for Neuronopathy, distal hereditary motor, type 2C. Last evaluated: 2025-12-24. Review status: criteria provided, single submitter. Criteria: Invitae Variant Classification Sherloc (09022015). Collection method: clinical testing. Allele origin: germline.
Comment: This sequence change replaces arginine, which is basic and polar, with histidine, which is basic and polar, at codon 15 of the HSPB3 protein (p.Arg15His). This variant is present in population databases (rs757814001, gnomAD 0.006%). This variant has not been reported in the literature in individuals affected with HSPB3-related conditions. An algorithm developed to predict the effect of missense changes on protein structure and function (PolyPhen-2) suggests that this variant is likely to be disruptive. In summary, the available evidence is currently insufficient to determine the role of this variant in disease. Therefore, it has been classified as a Variant of Uncertain Significance.